The following is an entry in ClinVar:

ClinVar aggregate classification (germline): Likely benign. Review status: criteria provided, multiple submitters, no conflicts (2 of 4 stars). 4 submissions from 4 submitters: Likely benign (4). Last evaluated 2025-10-22.

Conditions:
Cardiomyopathy (CMYO). Also called: Cardiomyopathies. Identifiers: Orphanet 167848, MedGen C0878544, MONDO:0004994, HP:0001638. Inheritance: Various modes of inheritance.
Catecholaminergic polymorphic ventricular tachycardia (CVPT). Also called: Catecholamine-induced polymorphic ventricular tachycardia. Identifiers: Orphanet 3286, MedGen C5574922, MONDO:0017990.
Cardiovascular phenotype. Identifiers: MedGen CN230736.
Catecholaminergic polymorphic ventricular tachycardia 1. Also called: VENTRICULAR TACHYCARDIA, CATECHOLAMINERGIC POLYMORPHIC, 1, WITH OR WITHOUT ATRIAL DYSFUNCTION AND/OR DILATED CARDIOMYOPATHY; VENTRICULAR TACHYCARDIA, STRESS-INDUCED POLYMORPHIC 1; RYR2-Related Catecholaminergic Polymorphic Ventricular Tachycardia. Identifiers: Orphanet 3286, MedGen C1631597, MONDO:0011484, OMIM 604772.

Allele frequency attached by ClinVar (database versions not stated): TOPMed 0.00001.

Submissions (4):

Labcorp Genetics (formerly Invitae), Labcorp
Classification: Likely benign for Catecholaminergic polymorphic ventricular tachycardia 1. Last evaluated: 2025-10-22. Review status: criteria provided, single submitter. Criteria: Invitae Variant Classification Sherloc (09022015). Collection method: clinical testing. Allele origin: germline.

Ambry Genetics
Classification: Likely benign for Cardiovascular phenotype. Last evaluated: 2023-10-19. Review status: criteria provided, single submitter. Criteria: Ambry Variant Classification Scheme 2023. Collection method: clinical testing. Allele origin: germline.

All of Us Research Program, National Institutes of Health
Classification: Likely benign for Catecholaminergic polymorphic ventricular tachycardia. Last evaluated: 2023-10-02. Review status: criteria provided, single submitter. Criteria: ACMG Guidelines, 2015. Collection method: clinical testing. Allele origin: germline. Inheritance: Autosomal dominant inheritance. Observed: 1 variant allele, 1 heterozygote.
Comment: This study involves interpretation of variants in research participants for the purpose of population health screening. Participant phenotype was not available at the time of variant classification. Additional details can be found in publication PMID: 35346344, PMCID: PMC8962531

Color Diagnostics, LLC DBA Color Health
Classification: Likely benign for Cardiomyopathy. Last evaluated: 2019-07-26. Review status: criteria provided, single submitter. Criteria: ACMG Guidelines, 2015. Collection method: clinical testing. Allele origin: germline.

NM_001035.3(RYR2):c.9333T>C (p.His3111=)

Gene: RYR2 (ryanodine receptor 2; plus strand). Cytogenetic location: 1q43.
Variant type: single nucleotide variant.
Coding change: c.9333T>C on transcript NM_001035.3 (MANE Select); coding-DNA position 9333, T replaced by C.
Protein change: p.His3111=; no amino-acid change (histidine 3111 retained).
Molecular consequence: synonymous variant.
Genome position (GRCh38, 1-based): chr1:237,700,433, T>C. VCF-style: chr1-237700433-T-C. GRCh37 (hg19) VCF-style: chr1-237863733-T-C.
Other names: c.9333T>C (NM_001035.2).
Identifiers: ClinVar variation 927564 (VCV000927564.13), dbSNP rs965167497, ClinGen allele CA39786520.
Genomic context (GRCh38, chr1:237,700,433, plus strand): 5'-TCAGATTATCAATTACACCACAGTGGCCCTGCTGCCAATGCTGTCTTCATTATTTGAACA[T>C]ATTGGCCAGCATCAGTTCGGAGAAGACCTAATATGTATGTAAATTTATATCTTGGAGTTT-3'
Protein context (NP_001026.2, residues 3101-3121): LLPMLSSLFE[His3111=]IGQHQFGEDL